The following is an entry in ClinVar:

NM_001278512.2(AP3B2):c.2738A>T (p.His913Leu)

Genes: AP3B2 (adaptor related protein complex 3 subunit beta 2; minus strand), CPEB1-AS1 (CPEB1 antisense RNA 1; plus strand). Cytogenetic location: 15q25.2.
Variant type: single nucleotide variant.
Coding change: c.2738A>T on transcript NM_001278512.2 (MANE Select); coding-DNA position 2738, A replaced by T.
Protein change: p.His913Leu; replaces histidine 913 with leucine.
Molecular consequence: missense variant.
Genome position (GRCh38, 1-based): chr15:82,662,789, T>A on the plus strand (A>T on the coding strand, the complement: AP3B2 is on the minus strand). VCF-style: chr15-82662789-T-A. GRCh37 (hg19) VCF-style: chr15-83331541-T-A.
Other names: c.2585A>T, p.His862Leu (NM_001278511.2); c.2681A>T (NM_004644.3); c.2681A>T, p.His894Leu (NM_004644.5); short protein forms H862L, H894L, H913L.
Identifiers: ClinVar variation 1366309 (VCV001366309.5), dbSNP rs371121399, ClinGen allele CA7699805.

ClinVar aggregate classification (germline): Uncertain significance. Review status: criteria provided, multiple submitters, no conflicts (2 of 4 stars). 2 submissions from 2 submitters: Uncertain significance (2). Last evaluated 2025-10-28.

Conditions:
Inborn genetic diseases. Identifiers: MedGen C0950123, MeSH D030342.

Allele frequency attached by ClinVar (database versions not stated): gnomAD 0.00009 and 0.00008; gnomAD exomes 0.00007 and 0.00021; TOPMed 0.00010; ESP Exome Variant Server 0.00024; ExAC 0.00006.
gnomAD v4.1: 305 of 1,613,656 alleles (0.019%); highest among the groups gnomAD compares: Non-Finnish European, 0.025%; 1 homozygote.

Submissions (2):

Ambry Genetics
Classification: Uncertain significance for Inborn genetic diseases. Last evaluated: 2025-10-28. Review status: criteria provided, single submitter. Criteria: Ambry Variant Classification Scheme 2023. Collection method: clinical testing. Allele origin: germline.

Labcorp Genetics (formerly Invitae), Labcorp
Classification: Uncertain significance. Last evaluated: 2022-09-07. Review status: criteria provided, single submitter. Criteria: Invitae Variant Classification Sherloc (09022015). Collection method: clinical testing. Allele origin: germline.
Comment: This sequence change replaces histidine, which is basic and polar, with leucine, which is neutral and non-polar, at codon 894 of the AP3B2 protein (p.His894Leu). This variant is present in population databases (rs371121399, gnomAD 0.02%). This variant has not been reported in the literature in individuals affected with AP3B2-related conditions. ClinVar contains an entry for this variant (Variation ID: 1366309). Algorithms developed to predict the effect of missense changes on protein structure and function (SIFT, PolyPhen-2, Align-GVGD) all suggest that this variant is likely to be tolerated. In summary, the available evidence is currently insufficient to determine the role of this variant in disease. Therefore, it has been classified as a Variant of Uncertain Significance.